The following is an entry in ClinVar:

ClinVar aggregate classification (germline): Likely benign (1 of 4 stars; one submission).

Allele frequency attached by ClinVar (database versions not stated): gnomAD 0.00003; TOPMed 0.00005; ExAC 0.00006; gnomAD exomes 0.00006.
gnomAD v4.1: 71 of 1,209,630 alleles (0.0059%); highest among the groups gnomAD compares: Middle Eastern, 0.046%; no homozygotes.

Submission:

CeGaT Center for Human Genetics Tuebingen
Classification: Likely benign. Last evaluated: 2023-02-01. Review status: criteria provided, single submitter. Criteria: CeGaT Center For Human Genetics Tuebingen Variant Classification Criteria Version 2. Collection method: clinical testing. Allele origin: germline. Affected: yes. Observed: 1 variant allele.
Comment: SASH3: BS2

NM_018990.4(SASH3):c.908G>A (p.Arg303Gln)

Gene: SASH3 (SAM and SH3 domain containing 3; plus strand). Cytogenetic location: Xq26.1.
Variant type: single nucleotide variant.
Coding change: c.908G>A on transcript NM_018990.4 (MANE Select); coding-DNA position 908, G replaced by A.
Protein change: p.Arg303Gln; replaces arginine 303 with glutamine.
Molecular consequence: missense variant.
Genome position (GRCh38, 1-based): chrX:129,793,095, G>A. VCF-style: chrX-129793095-G-A. GRCh37 (hg19) VCF-style: chrX-128927071-G-A.
Other names: short protein forms R303Q.
Identifiers: ClinVar variation 2661403 (VCV002661403.24), dbSNP rs749142379, ClinGen allele CA10513323.
Genomic context (GRCh38, chrX:129,793,095, plus strand): 5'-ACTTCAAAGAGCTGCGAGAAACACACCTCAATGAGCTGAACATCATGGATCCACAGCACC[G>A]GGCCAAGCTGCTCACGGCCGCCGAGCTGCTGCTGGACTATGACAGTGAGTGGCTTTAGGA-3'
Protein context (NP_061863.1, residues 293-313): NELNIMDPQH[Arg303Gln]AKLLTAAELL